The following is an entry in ClinVar:

ClinVar aggregate classification (germline): Uncertain significance (1 of 4 stars; one submission).

Submission:

Labcorp Genetics (formerly Invitae), Labcorp
Classification: Uncertain significance. Last evaluated: 2024-02-16. Review status: criteria provided, single submitter. Criteria: Invitae Variant Classification Sherloc (09022015). Collection method: clinical testing. Allele origin: germline.
Comment: This sequence change replaces glutamine, which is neutral and polar, with proline, which is neutral and non-polar, at codon 68 of the ANGPT1 protein (p.Gln68Pro). This variant is not present in population databases (gnomAD no frequency). This variant has not been reported in the literature in individuals affected with ANGPT1-related conditions. An algorithm developed to predict the effect of missense changes on protein structure and function (PolyPhen-2) suggests that this variant is likely to be disruptive. In summary, the available evidence is currently insufficient to determine the role of this variant in disease. Therefore, it has been classified as a Variant of Uncertain Significance.

NM_001146.5(ANGPT1):c.203A>C (p.Gln68Pro)

Gene: ANGPT1 (angiopoietin 1; minus strand). Cytogenetic location: 8q23.1.
Variant type: single nucleotide variant.
Coding change: c.203A>C on transcript NM_001146.5 (MANE Select); coding-DNA position 203, A replaced by C.
Protein change: p.Gln68Pro; replaces glutamine 68 with proline.
Molecular consequence: missense variant.
Genome position (GRCh38, 1-based): chr8:107,497,356, T>G on the plus strand (A>C on the coding strand, the complement: ANGPT1 is on the minus strand). VCF-style: chr8-107497356-T-G. GRCh37 (hg19) VCF-style: chr8-108509584-T-G.
Other names: c.203A>C, p.Gln68Pro (NM_001199859.3); short protein forms Q68P.
Identifiers: ClinVar variation 3632953 (VCV003632953.2).